The following is an entry in ClinVar:

ClinVar aggregate classification (germline): Uncertain significance (1 of 4 stars; one submission).

Conditions:
Generalized epilepsy-paroxysmal dyskinesia syndrome (PNKD3). Also called: Generalized epilepsy and paroxysmal dyskinesia; Paroxysmal nonkinesigenic dyskinesia, 3, with or without generalized epilepsy. Identifiers: Orphanet 79137, MedGen C5574945, MONDO:0012276, OMIM 609446.

Submission:

Labcorp Genetics (formerly Invitae), Labcorp
Classification: Uncertain significance for Generalized epilepsy-paroxysmal dyskinesia syndrome. Last evaluated: 2023-08-16. Review status: criteria provided, single submitter. Criteria: Invitae Variant Classification Sherloc (09022015). Collection method: clinical testing. Allele origin: germline.
Comment: This sequence change replaces serine, which is neutral and polar, with cysteine, which is neutral and slightly polar, at codon 1142 of the KCNMA1 protein (p.Ser1142Cys). This variant is not present in population databases (gnomAD no frequency). This variant has not been reported in the literature in individuals affected with KCNMA1-related conditions. An algorithm developed to predict the effect of missense changes on protein structure and function (PolyPhen-2) suggests that this variant is likely to be disruptive. In summary, the available evidence is currently insufficient to determine the role of this variant in disease. Therefore, it has been classified as a Variant of Uncertain Significance.

NM_001161352.2(KCNMA1):c.3598A>T (p.Ser1200Cys)

Gene: KCNMA1 (potassium calcium-activated channel subfamily M alpha 1; minus strand). Cytogenetic location: 10q22.3.
Variant type: single nucleotide variant.
Coding change: c.3598A>T on transcript NM_001161352.2 (MANE Select); coding-DNA position 3598, A replaced by T.
Protein change: p.Ser1200Cys; replaces serine 1200 with cysteine.
Molecular consequence: missense variant.
Genome position (GRCh38, 1-based): chr10:76,887,379, T>A on the plus strand (A>T on the coding strand, the complement: KCNMA1 is on the minus strand). VCF-style: chr10-76887379-T-A. GRCh37 (hg19) VCF-style: chr10-78647137-T-A.
Other names: c.3436A>T, p.Ser1146Cys (NM_001014797.3); c.3547A>T, p.Ser1183Cys (NM_001161353.2); c.3274A>T, p.Ser1092Cys (NM_001271518.2); c.3514A>T, p.Ser1172Cys (NM_001271519.2); c.3433A>T, p.Ser1145Cys (NM_001322829.2, NM_001322836.2); c.3526A>T, p.Ser1176Cys (NM_001322830.2); c.3424A>T, p.Ser1142Cys (NM_001322832.2, NM_001410940.1, NM_002247.4); c.3517A>T, p.Ser1173Cys (NM_001322835.2, NM_001322837.2); and 1 more; short protein forms S1145C, S1146C, S1172C, S1200C, S1183C, S1176C, S1092C, S1142C.
Identifiers: ClinVar variation 2713071 (VCV002713071.3), dbSNP rs985517880, ClinGen allele CA377402680.